The following is an entry in ClinVar:

ClinVar aggregate classification (germline): Pathogenic (1 of 4 stars; one submission).

Conditions:
Neurofibromatosis, type 1 (NF1). Also called: VON RECKLINGHAUSEN DISEASE; Peripheral type neurofibromatosis; NEUROFIBROMATOSIS, TYPE I, SOMATIC; Neurofibromatosis, type I. Identifiers: Orphanet 636, MedGen C0027831, MONDO:0018975, OMIM 162200. Disease mechanism: loss of function.

Submission:

Labcorp Genetics (formerly Invitae), Labcorp
Classification: Pathogenic for Neurofibromatosis, type 1. Last evaluated: 2020-10-05. Review status: criteria provided, single submitter. Criteria: Invitae Variant Classification Sherloc (09022015). Collection method: clinical testing. Allele origin: germline.
Comment: This sequence change creates a premature translational stop signal (p.Phe154Leufs*2) in the NF1 gene. It is expected to result in an absent or disrupted protein product. For these reasons, this variant has been classified as Pathogenic. Loss-of-function variants in NF1 are known to be pathogenic (PMID: 10712197, 23913538). This variant has not been reported in the literature in individuals with NF1-related conditions. This variant is not present in population databases (ExAC no frequency).

Literature cited by the submitters: PubMed 10712197; PubMed 23913538.

NM_001042492.3(NF1):c.461_462insA (p.Phe154fs)

Gene: NF1 (neurofibromin 1; plus strand). Cytogenetic location: 17q11.2.
Variant type: Insertion.
Coding change: c.461_462insA on transcript NM_001042492.3 (MANE Select); coding-DNA positions 461 to 462, A inserted.
Protein change: p.Phe154fs; shifts the reading frame from phenylalanine 154.
Molecular consequence: frameshift variant.
Genome position: GRCh38 VCF-style: chr17-31163358-T-TA. GRCh37 (hg19) VCF-style: chr17-29490376-T-TA.
Other names: c.461_462insA, p.Phe154fs (NM_001128147.3); c.461_462insA, p.Phe154Leufs (NM_000267.4); short protein forms F154fs.
Identifiers: ClinVar variation 1072960 (VCV001072960.5), dbSNP rs2143673772, ClinGen allele CA2499223983.
Genomic context (GRCh38, chr17:31,163,358, plus strand): 5'-TTCGGAATTCTGCCTCTGGGGTTTTATTTTCTCTCAGCTGCAACAACTTCAATGCAGTCT[T>TA]TAGTCGCATTTCTACCAGGTTAGTGTGTAAATCCACATGGGACTACTGAAGTAATATGAA-3'